The following is an entry in ClinVar:

NM_001365536.1(SCN9A):c.965+13T>C

Genes: SCN1A-AS1 (SCN1A and SCN9A antisense RNA 1; plus strand), SCN9A (sodium voltage-gated channel alpha subunit 9; minus strand). Cytogenetic location: 2q24.3.
Variant type: single nucleotide variant.
Coding change: c.965+13T>C on transcript NM_001365536.1 (MANE Select); 13 bases into the intron after coding-DNA position 965, T replaced by C.
Molecular consequence: intron variant. On other transcripts: non-coding transcript variant (1).
Genome position (GRCh38, 1-based): chr2:166,294,586, A>G on the plus strand (T>C on the coding strand, the complement: SCN9A is on the minus strand). VCF-style: chr2-166294586-A-G. GRCh37 (hg19) VCF-style: chr2-167151096-A-G.
Other names: c.965+13T>C (NM_002977.4).
Identifiers: ClinVar variation 331997 (VCV000331997.14), dbSNP rs772337722, ClinGen allele CA1944626.

ClinVar aggregate classification (germline): Conflicting classifications of pathogenicity. Review status: criteria provided, conflicting classifications (1 of 4 stars). 6 submissions from 4 submitters: Uncertain significance (1); Benign (2); Likely benign (3). Last evaluated 2026-01-04.

Conditions:
Paroxysmal extreme pain disorder (PEXPD). Also called: SCN9A Paroxysmal Extreme Pain Disorder (SCN9A-PEPD); PAIN, SUBMANDIBULAR, OCULAR, AND RECTAL, WITH FLUSHING; RECTAL PAIN, FAMILIAL. Identifiers: Orphanet 46348, MedGen C1833661, MONDO:0008179, OMIM 167400.
Channelopathy-associated congenital insensitivity to pain, autosomal recessive. Also called: Insensitivity to pain, channelopathy-associated; ASYMBOLIA FOR PAIN; CONGENITAL ANALGESIA, AUTOSOMAL RECESSIVE. Identifiers: Orphanet 88642, Orphanet 970, MedGen C1855739, MONDO:0009459, OMIM 243000.
Neuropathy, hereditary sensory and autonomic, type 2A (HSAN2A). Also called: ACROOSTEOLYSIS, GIACCAI TYPE; ACROOSTEOLYSIS, NEUROGENIC; HSAN IIA; WNK1-Related HSAN2 (HSAN2A); MORVAN DISEASE; NEUROPATHY, CONGENITAL SENSORY. Identifiers: Orphanet 970, MedGen C2752089, MONDO:0024309, OMIM 201300.
Generalized epilepsy with febrile seizures plus, type 7 (GEFSP7). Also called: GEFS+, TYPE 7. Identifiers: Orphanet 36387, MedGen C2751778, MONDO:0013470, OMIM 613863.
Primary erythromelalgia. Also called: SCN9A Erythromelalgia (SCN9A-EM); primary erythermalgia. Identifiers: Orphanet 306577, Orphanet 90026, MedGen C0014805, MONDO:0007571, OMIM 133020.

Allele frequency attached by ClinVar (database versions not stated): gnomAD exomes 0.00005 and 0.00014; gnomAD 0.00008 and 0.00010; ExAC 0.00014; TOPMed 0.00020.
gnomAD v4.1: 84 of 1,600,580 alleles (0.0052%); highest among the groups gnomAD compares: Admixed American, 0.077%; no homozygotes.

Submissions (6):

Labcorp Genetics (formerly Invitae), Labcorp
Classification: Likely benign for Neuropathy, hereditary sensory and autonomic, type 2A; Generalized epilepsy with febrile seizures plus, type 7. Last evaluated: 2026-01-04. Review status: criteria provided, single submitter. Criteria: Invitae Variant Classification Sherloc (09022015). Collection method: clinical testing. Allele origin: germline.

Blueprint Genetics
Classification: Likely benign. Last evaluated: 2024-09-16. Review status: criteria provided, single submitter. Criteria: ACMG Guidelines, 2015. Collection method: clinical testing. Allele origin: germline.

Illumina Laboratory Services, Illumina
Classification: Benign for Paroxysmal extreme pain disorder. Last evaluated: 2018-01-13. Review status: criteria provided, single submitter. Criteria: ICSL Variant Classification Criteria 13 December 2019. Collection method: clinical testing. Allele origin: germline.
Comment: This variant was observed in the ICSL laboratory as part of a predisposition screen in an ostensibly healthy population. It had not been previously curated by ICSL or reported in the Human Gene Mutation Database (HGMD: prior to June 1st, 2018), and was therefore a candidate for classification through an automated scoring system. Utilizing variant allele frequency, disease prevalence and penetrance estimates, and inheritance mode, an automated score was calculated to assess if this variant is too frequent to cause the disease. Based on the score and internal cut-off values, a variant classified as benign is not then subjected to further curation. The score for this variant resulted in a classification of benign for this disease.

Illumina Laboratory Services, Illumina
Classification: Uncertain significance for Channelopathy-associated congenital insensitivity to pain, autosomal recessive. Last evaluated: 2018-01-13. Review status: criteria provided, single submitter. Criteria: ICSL Variant Classification Criteria 13 December 2019. Collection method: clinical testing. Allele origin: germline.

Illumina Laboratory Services, Illumina
Classification: Benign for Primary erythromelalgia. Last evaluated: 2018-01-13. Review status: criteria provided, single submitter. Criteria: ICSL Variant Classification Criteria 13 December 2019. Collection method: clinical testing. Allele origin: germline.
Comment: the same text as in the submission from Illumina Laboratory Services, Illumina above.

GeneDx
Classification: Likely benign. Last evaluated: 2016-12-02. Review status: criteria provided, single submitter. Criteria: GeneDx Variant Classification (06012015). Collection method: clinical testing. Allele origin: germline. Affected: yes.
Comment: This variant is considered likely benign or benign based on one or more of the following criteria: it is a conservative change, it occurs at a poorly conserved position in the protein, it is predicted to be benign by multiple in silico algorithms, and/or has population frequency not consistent with disease.